The following is an entry in ClinVar:

NM_001165963.4(SCN1A):c.4409G>C (p.Gly1470Ala)

Genes: SCN1A (sodium voltage-gated channel alpha subunit 1; minus strand), LOC102724058 (uncharacterized LOC102724058; plus strand). Cytogenetic location: 2q24.3.
Variant type: single nucleotide variant.
Coding change: c.4409G>C on transcript NM_001165963.4 (MANE Select); coding-DNA position 4409, G replaced by C.
Protein change: p.Gly1470Ala; replaces glycine 1470 with alanine.
Molecular consequence: missense variant. On other transcripts: non-coding transcript variant (1).
Genome position (GRCh38, 1-based): chr2:165,998,105, C>G on the plus strand (G>C on the coding strand, the complement: SCN1A is on the minus strand). VCF-style: chr2-165998105-C-G. GRCh37 (hg19) VCF-style: chr2-166854615-C-G.
Other names: c.4325G>C, p.Gly1442Ala (NM_001165964.3, NM_001353957.2, NM_001353958.2); c.4409G>C, p.Gly1470Ala (NM_001202435.3, NM_001353948.2); c.4376G>C, p.Gly1459Ala (NM_001353949.2, NM_001353950.2, NM_001353951.2 and 2 more transcripts); c.4373G>C, p.Gly1458Ala (NM_001353954.2, NM_001353955.2); c.4322G>C, p.Gly1441Ala (NM_001353960.2); c.1967G>C, p.Gly656Ala (NM_001353961.2); short protein forms G656A, G1470A, G1441A, G1442A, G1458A, G1459A.
Identifiers: ClinVar variation 855672 (VCV000855672.10), dbSNP rs1573984236, ClinGen allele CA349049356.
Genomic context (GRCh38, chr2:165,998,105, plus strand): 5'-TTCTGCTGGTTGAAATTATCTATGATGACACCAATAAACAGGTTCAAGGTGAAGAAGGAC[C>G]CAAAGATGATGAAAATAACAAAGTAAAGATACATGTACAGACTTTCTTCATACTTAGGCT-3'
Protein context (NP_001159435.1, residues 1460-1480): YLYFVIFIIF[Gly1470Ala]SFFTLNLFIG

ClinVar aggregate classification (germline): Uncertain significance (1 of 4 stars; one submission).

Conditions:
Early-infantile DEE. Also called: Ohtahara syndrome; Early infantile epileptic encephalopathy with suppression bursts; Early infantile epileptic encephalopathy. Identifiers: Orphanet 1934, MedGen C0393706, MONDO:0800491.

Submission:

Labcorp Genetics (formerly Invitae), Labcorp
Classification: Uncertain significance for Early-infantile DEE. Last evaluated: 2022-08-09. Review status: criteria provided, single submitter. Criteria: Invitae Variant Classification Sherloc (09022015). Collection method: clinical testing. Allele origin: germline.
Comment: In summary, the available evidence is currently insufficient to determine the role of this variant in disease. Therefore, it has been classified as a Variant of Uncertain Significance. Advanced modeling of protein sequence and biophysical properties (such as structural, functional, and spatial information, amino acid conservation, physicochemical variation, residue mobility, and thermodynamic stability) performed at Invitae indicates that this missense variant is expected to disrupt SCN1A protein function. ClinVar contains an entry for this variant (Variation ID: 855672). This variant has not been reported in the literature in individuals affected with SCN1A-related conditions. This variant is not present in population databases (gnomAD no frequency). This sequence change replaces glycine, which is neutral and non-polar, with alanine, which is neutral and non-polar, at codon 1470 of the SCN1A protein (p.Gly1470Ala).